The following is an entry in ClinVar:

NM_006186.4(NR4A2):c.901G>A (p.Ala301Thr)

Gene: NR4A2 (nuclear receptor subfamily 4 group A member 2; minus strand). Cytogenetic location: 2q24.1.
Variant type: single nucleotide variant.
Coding change: c.901G>A on transcript NM_006186.4 (MANE Select); coding-DNA position 901, G replaced by A.
Protein change: p.Ala301Thr; replaces alanine 301 with threonine.
Molecular consequence: missense variant.
Genome position (GRCh38, 1-based): chr2:156,328,497, C>T on the plus strand (G>A on the coding strand, the complement: NR4A2 is on the minus strand). VCF-style: chr2-156328497-C-T. GRCh37 (hg19) VCF-style: chr2-157185009-C-T.
Other names: c.712G>A, p.Ala238Thr (NM_173173.3); short protein forms A238T, A301T.
Identifiers: ClinVar variation 3896009 (VCV003896009.1).
Genomic context (GRCh38, chr2:156,328,497, plus strand): 5'-GAAATCGGCAGTACTGACAGCGATTCCGGCGACGCTTGTCCACTGGGCAGTTTTTATTTG[C>T]TAAACACACGTATTTTGCATTTTTTTGCACTGTGCGCTGCAAAAGGAGACAATATAGACC-3'
Protein context (NP_006177.1, residues 291-311): VQKNAKYVCL[Ala301Thr]NKNCPVDKRR

ClinVar aggregate classification (germline): Uncertain significance (1 of 4 stars; one submission).

gnomAD v4.1: 1 of 1,614,090 alleles (0.000062%); highest among the groups gnomAD compares: African/African-American, 0.0013%; no homozygotes.

Submission:

Women's Health and Genetics/Laboratory Corporation of America, LabCorp
Classification: Uncertain significance. Last evaluated: 2025-03-24. Review status: criteria provided, single submitter. Criteria: LabCorp Variant Classification Summary - May 2015. Collection method: clinical testing. Allele origin: germline.
Comment: Variant summary: NR4A2 c.901G>A (p.Ala301Thr) results in a non-conservative amino acid change in the encoded protein sequence. Four of five in-silico tools predict a damaging effect of the variant on protein function. The variant allele was found at a frequency of 4e-06 in 251490 control chromosomes (gnomAD). The available data on variant occurrences in the general population are insufficient to allow any conclusion about variant significance. To our knowledge, no occurrence of c.901G>A in individuals affected with Intellectual Developmental Disorder With Language Impairment And Early-Onset DOPA-Responsive Dystonia-Parkinsonism and no experimental evidence demonstrating its impact on protein function have been reported. No submitters have cited clinical-significance assessments for this variant to ClinVar. Based on the evidence outlined above, the variant was classified as uncertain significance.